The following is an entry in ClinVar:

ClinVar aggregate classification (germline): Uncertain significance (1 of 4 stars; one submission).

Submission:

Athena Diagnostics
Classification: Uncertain significance. Last evaluated: 2025-09-30. Review status: criteria provided, single submitter. Criteria: Athena Diagnostics Criteria. Collection method: clinical testing. Allele origin: unknown.
Comment: Available data are insufficient to determine the clinical significance of the variant at this time. This variant has not been reported in large, multi-ethnic general populations. This variant has been identified in at least one individual with clinical features associated with this gene. Polyphen and MutationTaster predict this amino acid change may be damaging to the protein. The variant is located in a region that is considered important for protein function and/or structure.

NM_014946.4(SPAST):c.1061T>G (p.Leu354Trp)

Gene: SPAST (spastin; plus strand). Cytogenetic location: 2p22.3.
Variant type: single nucleotide variant.
Coding change: c.1061T>G on transcript NM_014946.4 (MANE Select); coding-DNA position 1061, T replaced by G.
Protein change: p.Leu354Trp; replaces leucine 354 with tryptophan.
Molecular consequence: missense variant.
Genome position (GRCh38, 1-based): chr2:32,116,175, T>G. VCF-style: chr2-32116175-T-G. GRCh37 (hg19) VCF-style: chr2-32341244-T-G.
Other names: c.1058T>G, p.Leu353Trp (NM_001363823.2); c.962T>G, p.Leu321Trp (NM_001363875.2); c.965T>G, p.Leu322Trp (NM_001377959.1, NM_199436.2); short protein forms L354W, L322W, L321W, L353W.
Identifiers: ClinVar variation 586653 (VCV000586653.2), dbSNP rs1553315342, ClinGen allele CA346499754.